The following is an entry in ClinVar:

ClinVar aggregate classification (germline): Pathogenic (1 of 4 stars; one submission).

Submission:

Labcorp Genetics (formerly Invitae), Labcorp
Classification: Pathogenic. Last evaluated: 2023-01-20. Review status: criteria provided, single submitter. Criteria: Invitae Variant Classification Sherloc (09022015). Collection method: clinical testing. Allele origin: germline.
Comment: For these reasons, this variant has been classified as Pathogenic. This variant has not been reported in the literature in individuals affected with USH2A-related conditions. This variant is a gross deletion of the genomic region encompassing exon(s) 17-19 of the USH2A gene. This deletion is out-of-frame, and is expected to create a premature termination codon and result in an absent or disrupted protein product. Loss-of-function variants in USH2A are known to be pathogenic (PMID: 10729113, 10909849, 20507924, 25649381).

Literature cited by the submitters: PubMed 10729113; PubMed 10909849; PubMed 20507924; PubMed 25649381.

NC_000001.10:g.(?_216369875)_(216373483_?)del

Gene: USH2A (usherin; minus strand). Cytogenetic location: 1q41.
Variant type: Deletion.
Identifiers: ClinVar variation 2427733 (VCV002427733.4).